The following is an entry in ClinVar:

NM_005720.4(ARPC1B):c.1079A>T (p.Lys360Met)

Gene: ARPC1B (actin related protein 2/3 complex subunit 1B; plus strand). Cytogenetic location: 7q22.1.
Variant type: single nucleotide variant.
Coding change: c.1079A>T on transcript NM_005720.4 (MANE Select); coding-DNA position 1079, A replaced by T.
Protein change: p.Lys360Met; replaces lysine 360 with methionine.
Molecular consequence: missense variant.
Genome position (GRCh38, 1-based): chr7:99,394,118, A>T. VCF-style: chr7-99394118-A-T. GRCh37 (hg19) VCF-style: chr7-98991741-A-T.
Other names: c.1079A>T (NM_005720.3); short protein forms K360M.
Identifiers: ClinVar variation 1507090 (VCV001507090.9), dbSNP rs762754496, ClinGen allele CA4364212.
Genomic context (GRCh38, chr7:99,394,118, plus strand): 5'-CCAAGTGCTCGCAGTTCTGCACCACTGGCATGGATGGCGGCATGAGTATCTGGGATGTGA[A>T]GGTGAGGCTTGCCCCTCCTGGCTTCCCGCCATGCCTCCCAGGTCAACCCTTTCCCCCCAT-3'
Protein context (NP_005711.1, residues 350-370): MDGGMSIWDV[Lys360Met]SLESALKDLK

ClinVar aggregate classification (germline): Uncertain significance. Review status: criteria provided, multiple submitters, no conflicts (2 of 4 stars). 2 submissions from 2 submitters: Uncertain significance (2). Last evaluated 2024-06-18.

Conditions:
Inborn genetic diseases. Identifiers: MedGen C0950123, MeSH D030342.

Allele frequency attached by ClinVar (database versions not stated): ExAC 0.00002.
gnomAD v4.1: 3 of 1,613,360 alleles (0.00019%); highest among the groups gnomAD compares: South Asian, 0.0033%; no homozygotes.

Submissions (2):

Ambry Genetics
Classification: Uncertain significance for Inborn genetic diseases. Last evaluated: 2024-06-18. Review status: criteria provided, single submitter. Criteria: Ambry Variant Classification Scheme 2023. Collection method: clinical testing. Allele origin: germline.

Labcorp Genetics (formerly Invitae), Labcorp
Classification: Uncertain significance. Last evaluated: 2022-01-07. Review status: criteria provided, single submitter. Criteria: Invitae Variant Classification Sherloc (09022015). Collection method: clinical testing. Allele origin: germline.
Comment: This variant is present in population databases (rs762754496, gnomAD 0.006%). In summary, the available evidence is currently insufficient to determine the role of this variant in disease. Therefore, it has been classified as a Variant of Uncertain Significance. Algorithms developed to predict the effect of sequence changes on RNA splicing suggest that this variant may disrupt the consensus splice site. Algorithms developed to predict the effect of missense changes on protein structure and function are either unavailable or do not agree on the potential impact of this missense change (SIFT: "Deleterious"; PolyPhen-2: "Probably Damaging"; Align-GVGD: "Class C0"). This variant has not been reported in the literature in individuals affected with ARPC1B-related conditions. This sequence change replaces lysine, which is basic and polar, with methionine, which is neutral and non-polar, at codon 360 of the ARPC1B protein (p.Lys360Met).